The following is an entry in ClinVar:

ClinVar aggregate classification (germline): Uncertain significance (1 of 4 stars; one submission).

Submission:

Women's Health and Genetics/Laboratory Corporation of America, LabCorp
Classification: Uncertain significance. Last evaluated: 2025-10-08. Review status: criteria provided, single submitter. Criteria: LabCorp Variant Classification Summary - May 2015. Collection method: clinical testing. Allele origin: germline.
Comment: Variant summary: PKD1 c.9482A>C (p.His3161Pro) results in a non-conservative amino acid change in the encoded protein sequence. Algorithms developed to predict the effect of missense changes on protein structure and function are either unavailable or do not agree on the potential impact of this missense change. The variant was absent in 249268 control chromosomes. The available data on variant occurrences in the general population are insufficient to allow any conclusion about variant significance. To our knowledge, no occurrence of c.9482A>C in individuals affected with PKD1-related conditions and no experimental evidence demonstrating its impact on protein function have been reported. No submitters have cited clinical-significance assessments for this variant to ClinVar. Based on the evidence outlined above, the variant was classified as uncertain significance.

NM_001009944.3(PKD1):c.9482A>C (p.His3161Pro)

Gene: PKD1 (polycystin 1, transient receptor potential channel interacting; minus strand). Cytogenetic location: 16p13.3.
Variant type: single nucleotide variant.
Coding change: c.9482A>C on transcript NM_001009944.3 (MANE Select); coding-DNA position 9482, A replaced by C.
Protein change: p.His3161Pro; replaces histidine 3161 with proline.
Molecular consequence: missense variant.
Genome position (GRCh38, 1-based): chr16:2,100,482, T>G on the plus strand (A>C on the coding strand, the complement: PKD1 is on the minus strand). VCF-style: chr16-2100482-T-G. GRCh37 (hg19) VCF-style: chr16-2150483-T-G.
Other names: c.9482A>C, p.His3161Pro (NM_000296.4); short protein forms H3161P.
Identifiers: ClinVar variation 4687458 (VCV004687458.1).